The following is an entry in ClinVar:

NM_000748.3(CHRNB2):c.910A>G (p.Thr304Ala)

Gene: CHRNB2 (cholinergic receptor nicotinic beta 2 subunit; plus strand). Cytogenetic location: 1q21.3.
Variant type: single nucleotide variant.
Coding change: c.910A>G on transcript NM_000748.3 (MANE Select); coding-DNA position 910, A replaced by G.
Protein change: p.Thr304Ala; replaces threonine 304 with alanine.
Molecular consequence: missense variant.
Genome position (GRCh38, 1-based): chr1:154,571,733, A>G. VCF-style: chr1-154571733-A-G. GRCh37 (hg19) VCF-style: chr1-154544209-A-G.
Other names: p.T304A:ACC>GCC; short protein forms T304A.
Identifiers: ClinVar variation 205073 (VCV000205073.9), dbSNP rs780962241, ClinGen allele CA313663.

ClinVar aggregate classification (germline): Uncertain significance. Review status: criteria provided, multiple submitters, no conflicts (2 of 4 stars). 2 submissions from 2 submitters: Uncertain significance (2). Last evaluated 2024-10-15.

Conditions:
Familial sleep-related hypermotor epilepsy. Also called: Autosomal Dominant Sleep-Related Hypermotor (Hyperkinetic) Epilepsy. Identifiers: Orphanet 98784, MedGen C3696898, MONDO:0000030.

Allele frequency attached by ClinVar (database versions not stated): gnomAD exomes below 0.00001 and 0.00001; TOPMed 0.00002; gnomAD 0.00001; ExAC 0.00002.
gnomAD v4.1: 8 of 1,613,984 alleles (0.0005%); highest among the groups gnomAD compares: African/African-American, 0.004%; no homozygotes.

Submissions (2):

Labcorp Genetics (formerly Invitae), Labcorp
Classification: Uncertain significance. Last evaluated: 2024-10-15. Review status: criteria provided, single submitter. Criteria: Invitae Variant Classification Sherloc (09022015). Collection method: clinical testing. Allele origin: germline.
Comment: This sequence change replaces threonine, which is neutral and polar, with alanine, which is neutral and non-polar, at codon 304 of the CHRNB2 protein (p.Thr304Ala). This variant is present in population databases (rs780962241, gnomAD 0.007%). This variant has not been reported in the literature in individuals affected with CHRNB2-related conditions. ClinVar contains an entry for this variant (Variation ID: 205073). Invitae Evidence Modeling of protein sequence and biophysical properties (such as structural, functional, and spatial information, amino acid conservation, physicochemical variation, residue mobility, and thermodynamic stability) indicates that this missense variant is not expected to disrupt CHRNB2 protein function with a negative predictive value of 80%. In summary, the available evidence is currently insufficient to determine the role of this variant in disease. Therefore, it has been classified as a Variant of Uncertain Significance.

GeneDx
Classification: Uncertain significance. Last evaluated: 2018-07-05. Review status: criteria provided, single submitter. Criteria: GeneDx Variant Classification (06012015). Collection method: clinical testing. Allele origin: germline. Affected: yes.
Comment: A variant of uncertain significance has been identified in the CHRNB2 gene. The T304A variant has not been published as a pathogenic variant, nor has it been reported as a benign variant to our knowledge. This variant is observed in 1/15304 (0.007%) alleles from individuals of African background in large population cohorts (Lek et al., 2016). The T304A variant is a non-conservative amino acid substitution, which is likely to impact secondary protein structure as these residues differ in polarity, charge, size and/or other properties. In-silico analyses, including protein predictors and evolutionary conservation, support a deleterious effect. Based on the currently available information, it is unclear whether this variant is a pathogenic variant or a rare benign variant.